The following is an entry in ClinVar:

ClinVar aggregate classification (germline): Uncertain significance. Review status: criteria provided, multiple submitters, no conflicts (2 of 4 stars). 4 submissions from 4 submitters: Uncertain significance (4). Last evaluated 2026-07-20.

Conditions:
Heterotaxy, visceral, 8, autosomal (HTX8). Identifiers: MedGen C4310668, MONDO:0014967, OMIM 617205.
Inborn genetic diseases. Identifiers: MedGen C0950123, MeSH D030342.
PKD1L1-related disorder. Also called: PKD1L1-related condition.

gnomAD v4.1: 201 of 1,613,828 alleles (0.012%); highest among the groups gnomAD compares: Non-Finnish European, 0.016%; no homozygotes.

Submissions (4):

PreventionGenetics, part of Exact Sciences
Classification: Uncertain significance for PKD1L1-related condition. Last evaluated: 2026-07-20. Review status: criteria provided, single submitter. Criteria: ACMG Guidelines, 2015. Collection method: clinical testing. Allele origin: germline.
Comment: The PKD1L1 c.7987G>A variant is predicted to result in the amino acid substitution p.Ala2663Thr. To our knowledge, this variant has not been reported in the literature. This variant is reported in 0.013% of alleles in individuals of European (Non-Finnish) descent in gnomAD. At this time, the clinical significance of this variant is uncertain due to the absence of conclusive functional and genetic evidence.

Labcorp Genetics (formerly Invitae), Labcorp
Classification: Uncertain significance. Last evaluated: 2025-12-15. Review status: criteria provided, single submitter. Criteria: Invitae Variant Classification Sherloc (09022015). Collection method: clinical testing. Allele origin: germline.
Comment: This sequence change replaces alanine, which is neutral and non-polar, with threonine, which is neutral and polar, at codon 2663 of the PKD1L1 protein (p.Ala2663Thr). This variant is present in population databases (rs750065766, gnomAD 0.01%). This variant has not been reported in the literature in individuals affected with PKD1L1-related conditions. ClinVar contains an entry for this variant (Variation ID: 3419070). Invitae Evidence Modeling of protein sequence and biophysical properties (such as structural, functional, and spatial information, amino acid conservation, physicochemical variation, residue mobility, and thermodynamic stability) indicates that this missense variant is not expected to disrupt PKD1L1 protein function with a negative predictive value of 80%. In summary, the available evidence is currently insufficient to determine the role of this variant in disease. Therefore, it has been classified as a Variant of Uncertain Significance.

Ambry Genetics
Classification: Uncertain significance for Inborn genetic diseases. Last evaluated: 2024-11-07. Review status: criteria provided, single submitter. Criteria: Ambry Variant Classification Scheme 2023. Collection method: clinical testing. Allele origin: germline.

Revvity Omics, Revvity
Classification: Uncertain significance for Heterotaxy, visceral, 8, autosomal. Last evaluated: 2024-10-24. Review status: criteria provided, single submitter. Criteria: ACMG Guidelines, 2015. Collection method: clinical testing. Allele origin: germline.

NM_138295.5(PKD1L1):c.7987G>A (p.Ala2663Thr)

Genes: PKD1L1 (polycystin 1 like 1, transient receptor potential channel interacting; minus strand), PKD1L1-AS1 (PKD1L1 antisense RNA 1; plus strand). Cytogenetic location: 7p12.3.
Variant type: single nucleotide variant.
Coding change: c.7987G>A on transcript NM_138295.5 (MANE Select); coding-DNA position 7987, G replaced by A.
Protein change: p.Ala2663Thr; replaces alanine 2663 with threonine.
Molecular consequence: missense variant.
Genome position (GRCh38, 1-based): chr7:47,800,855, C>T on the plus strand (G>A on the coding strand, the complement: PKD1L1 is on the minus strand). VCF-style: chr7-47800855-C-T. GRCh37 (hg19) VCF-style: chr7-47840453-C-T.
Other names: c.7987G>A (NM_138295.4); short protein forms A2663T.
Identifiers: ClinVar variation 3419070 (VCV003419070.4).
Genomic context (GRCh38, chr7:47,800,855, plus strand): 5'-TGAAGGTGCCAGGTGGTAGAACCCACATAGAGAGCAGAAATCGGTGCAGGTGGGAGAGGG[C>T]GGCCAGCATCAGTGCCCCCACCAGCTGCAGAAAGAAAATCCAGAGAGCACTGACCTTGTC-3'
Protein context (NP_612152.1, residues 2653-2673): AGLVGALMLA[Ala2663Thr]LSHLHRFLLS